The following is an entry in ClinVar:

ClinVar aggregate classification (germline): Uncertain significance (1 of 4 stars; one submission).

Submission:

Labcorp Genetics (formerly Invitae), Labcorp
Classification: Uncertain significance. Last evaluated: 2024-10-07. Review status: criteria provided, single submitter. Criteria: Invitae Variant Classification Sherloc (09022015). Collection method: clinical testing. Allele origin: germline.
Comment: This sequence change replaces arginine, which is basic and polar, with glycine, which is neutral and non-polar, at codon 646 of the TONSL protein (p.Arg646Gly). This variant is present in population databases (rs546749458, gnomAD 0.002%). This variant has not been reported in the literature in individuals affected with TONSL-related conditions. ClinVar contains an entry for this variant (Variation ID: 2109393). Invitae Evidence Modeling of protein sequence and biophysical properties (such as structural, functional, and spatial information, amino acid conservation, physicochemical variation, residue mobility, and thermodynamic stability) indicates that this missense variant is not expected to disrupt TONSL protein function with a negative predictive value of 80%. In summary, the available evidence is currently insufficient to determine the role of this variant in disease. Therefore, it has been classified as a Variant of Uncertain Significance.

NM_013432.5(TONSL):c.1936C>G (p.Arg646Gly)

Genes: TONSL (tonsoku like, DNA repair protein; minus strand), TONSL-AS1 (TONSL antisense RNA 1; plus strand). Cytogenetic location: 8q24.3.
Variant type: single nucleotide variant.
Coding change: c.1936C>G on transcript NM_013432.5 (MANE Select); coding-DNA position 1936, C replaced by G.
Protein change: p.Arg646Gly; replaces arginine 646 with glycine.
Molecular consequence: missense variant.
Genome position (GRCh38, 1-based): chr8:144,436,636, G>C on the plus strand (C>G on the coding strand, the complement: TONSL is on the minus strand). VCF-style: chr8-144436636-G-C. GRCh37 (hg19) VCF-style: chr8-145662019-G-C.
Other names: short protein forms R646G.
Identifiers: ClinVar variation 2109393 (VCV002109393.3), dbSNP rs546749458, ClinGen allele CA4942992.
Genomic context (GRCh38, chr8:144,436,636, plus strand): 5'-CCTGGAGCAGCATCTCCATGGCCCTGGCCTTCTGCCGCGTCTCCAGGTCCAGGTCCCTGC[G>C]GTACAGCTTCACCCACTGCTGCAGCGTCTCCAGCGGGCTGAGGCCCTGTGTGGCATCAGT-3'
Protein context (NP_038460.4, residues 636-656): ETLQQWVKLY[Arg646Gly]RDLDLETRQK